The following is an entry in ClinVar:

ClinVar aggregate classification (germline): Uncertain significance (1 of 4 stars; one submission).

Submission:

Labcorp Genetics (formerly Invitae), Labcorp
Classification: Uncertain significance. Last evaluated: 2025-04-29. Review status: criteria provided, single submitter. Criteria: Invitae Variant Classification Sherloc (09022015). Collection method: clinical testing. Allele origin: germline.
Comment: This sequence change replaces methionine, which is neutral and non-polar, with isoleucine, which is neutral and non-polar, at codon 903 of the NALCN protein (p.Met903Ile). This variant is not present in population databases (gnomAD no frequency). This variant has not been reported in the literature in individuals affected with NALCN-related conditions. Invitae Evidence Modeling of protein sequence and biophysical properties (such as structural, functional, and spatial information, amino acid conservation, physicochemical variation, residue mobility, and thermodynamic stability) indicates that this missense variant is not expected to disrupt NALCN protein function with a negative predictive value of 80%. In summary, the available evidence is currently insufficient to determine the role of this variant in disease. Therefore, it has been classified as a Variant of Uncertain Significance.

NM_052867.4(NALCN):c.2709G>T (p.Met903Ile)

Gene: NALCN (sodium leak channel, non-selective; minus strand). Cytogenetic location: 13q33.1.
Variant type: single nucleotide variant.
Coding change: c.2709G>T on transcript NM_052867.4 (MANE Select); coding-DNA position 2709, G replaced by T.
Protein change: p.Met903Ile; replaces methionine 903 with isoleucine.
Molecular consequence: missense variant.
Genome position (GRCh38, 1-based): chr13:101,104,578, C>A on the plus strand (G>T on the coding strand, the complement: NALCN is on the minus strand). VCF-style: chr13-101104578-C-A. GRCh37 (hg19) VCF-style: chr13-101756929-C-A.
Other names: c.2796G>T, p.Met932Ile (NM_001350748.2); c.2709G>T, p.Met903Ile (NM_001350749.2); c.2622G>T, p.Met874Ile (NM_001350750.2, NM_001350751.2); short protein forms M874I, M903I, M932I.
Identifiers: ClinVar variation 4761837 (VCV004761837.1).